The following is an entry in ClinVar:

ClinVar aggregate classification (germline): Uncertain significance (1 of 4 stars; one submission).

Submission:

Labcorp Genetics (formerly Invitae), Labcorp
Classification: Uncertain significance. Last evaluated: 2024-03-21. Review status: criteria provided, single submitter. Criteria: Invitae Variant Classification Sherloc (09022015). Collection method: clinical testing. Allele origin: germline.
Comment: This sequence change replaces proline, which is neutral and non-polar, with threonine, which is neutral and polar, at codon 1475 of the HERC1 protein (p.Pro1475Thr). This variant is not present in population databases (gnomAD no frequency). This variant has not been reported in the literature in individuals affected with HERC1-related conditions. Advanced modeling of protein sequence and biophysical properties (such as structural, functional, and spatial information, amino acid conservation, physicochemical variation, residue mobility, and thermodynamic stability) performed at Invitae indicates that this missense variant is not expected to disrupt HERC1 protein function with a negative predictive value of 80%. In summary, the available evidence is currently insufficient to determine the role of this variant in disease. Therefore, it has been classified as a Variant of Uncertain Significance.

NM_003922.4(HERC1):c.4423C>A (p.Pro1475Thr)

Gene: HERC1 (HECT and RLD domain containing E3 ubiquitin protein ligase family member 1; minus strand). Cytogenetic location: 15q22.31.
Variant type: single nucleotide variant.
Coding change: c.4423C>A on transcript NM_003922.4 (MANE Select); coding-DNA position 4423, C replaced by A.
Protein change: p.Pro1475Thr; replaces proline 1475 with threonine.
Molecular consequence: missense variant.
Genome position (GRCh38, 1-based): chr15:63,713,393, G>T on the plus strand (C>A on the coding strand, the complement: HERC1 is on the minus strand). VCF-style: chr15-63713393-G-T. GRCh37 (hg19) VCF-style: chr15-64005592-G-T.
Other names: short protein forms P1475T.
Identifiers: ClinVar variation 3638897 (VCV003638897.2).